The following continues an entry in ClinVar:

NM_000059.4(BRCA2):c.6446_6450del (p.Ile2149fs)

Gene: BRCA2. ClinVar aggregate classification (germline): Pathogenic. Pathogenic (1).

Submissions 10 to 14 of 14:

ARUP Laboratories, Molecular Genetics and Genomics, ARUP Laboratories
Classification: Pathogenic. Last evaluated: 2019-08-05. Review status: criteria provided, single submitter. Criteria: ARUP Molecular Germline Variant Investigation Process. Collection method: clinical testing. Allele origin: germline. Not counted in ClinVar's aggregate classification.
Comment: The BRCA2 c.6446_6450delTTAAA; p.Ile2149fs variant (rs80359593), also known as 6674del5, is reported in the literature in multiple individuals affected with hereditary breast and ovarian cancers (Dworkin 2009, Kanke 2017, Kwong 2016, Lubinski 2004, Nakamura 2015). This variant is reported in ClinVar (Variation ID: 52102), and is absent from general population databases (Exome Variant Server, Genome Aggregation Database), indicating it is not a common polymorphism. This variant causes a frameshift by deleting 5 nucleotides, so it is predicted to result in a truncated protein or mRNA subject to nonsense-mediated decay. Additionally, several other downstream truncating variants have been reported in individuals with breast and ovarian cancers and are considered pathogenic Kwong 2016, Lubinski 2004, Nakamura 2015). Based on available information, this variant is considered to be pathogenic. References: Dworkin AM et al. Methylation not a frequent "second hit" in tumors with germline BRCA mutations. Fam Cancer. 2009;8(4):339-46. Kanke Y et al. Gene aberration profile of tumors of adolescent and young adult females. Oncotarget. 2017 Dec 29;9(5):6228-6237. Kwong A et al. Comprehensive spectrum of BRCA1 and BRCA2 deleterious mutations in breast cancer in Asian countries. J Med Genet. 2016 Jan;53(1):15-23. Lubinski J et al. Cancer variation associated with the position of the mutation in the BRCA2 gene. Fam Cancer. 2004;3(1):1-10. Nakamura S et al. Prevalence and differentiation of hereditary breast and ovarian cancers in Japan. Breast Cancer. 2015 Sep;22(5):462-8.

Consortium of Investigators of Modifiers of BRCA1/2 (CIMBA), c/o University of Cambridge
Classification: Pathogenic for Breast-ovarian cancer, familial, susceptibility to, 2. Last evaluated: 2015-10-02. Review status: criteria provided, single submitter. Criteria: CIMBA Mutation Classification guidelines May 2016. Collection method: clinical testing. Allele origin: germline. Not counted in ClinVar's aggregate classification.

Research Molecular Genetics Laboratory, Women's College Hospital, University of Toronto
Classification: Pathogenic for Hereditary breast ovarian cancer syndrome. Last evaluated: 2014-01-31. Review status: no assertion criteria provided. Collection method: research. Allele origin: germline. Affected: yes. Study: The Canadian Open Genetics Repository (COGR). Not counted in ClinVar's aggregate classification.

Sharing Clinical Reports Project (SCRP)
Classification: Pathogenic for Breast-ovarian cancer, familial 2. Last evaluated: 2012-04-19. Review status: no assertion criteria provided. Collection method: clinical testing. Allele origin: germline. Not counted in ClinVar's aggregate classification.

Breast Cancer Information Core (BIC) (BRCA2)
Classification: Pathogenic for Breast-ovarian cancer, familial 2. Last evaluated: 2003-12-23. Review status: no assertion criteria provided. Collection method: clinical testing. Allele origin: germline. Affected: yes. Observed: 2 variant alleles. Not counted in ClinVar's aggregate classification.

Literature cited by the submitters: PubMed 20104584 (cited by Labcorp Genetics (formerly Invitae), Labcorp); PubMed 15131399 (cited by 3 submitters); PubMed 20858050 (cited by 3 submitters); PubMed 30287823 (cited by Quest Diagnostics Nichols Institute San Juan Capistrano and Ambry Genetics); PubMed 29464067 (cited by Quest Diagnostics Nichols Institute San Juan Capistrano and Women's Health and Genetics/Laboratory Corporation of America, LabCorp); PubMed 26187060 (cited by 3 submitters); PubMed 26023681 (cited by Quest Diagnostics Nichols Institute San Juan Capistrano and Ambry Genetics); PubMed 24249303 (cited by 3 submitters); PubMed 19340607 (cited by 3 submitters); PubMed 31214711 (cited by Quest Diagnostics Nichols Institute San Juan Capistrano); PubMed 32980694 (cited by Quest Diagnostics Nichols Institute San Juan Capistrano); PubMed 35218119 (cited by Quest Diagnostics Nichols Institute San Juan Capistrano); PubMed 32719484 (cited by Quest Diagnostics Nichols Institute San Juan Capistrano); PubMed 29176636 (cited by Quest Diagnostics Nichols Institute San Juan Capistrano).